The following is an entry in ClinVar:

ClinVar aggregate classification (germline): Benign/Likely benign. Review status: criteria provided, multiple submitters, no conflicts (2 of 4 stars). 2 submissions from 2 submitters: Benign (1); Likely benign (1). Last evaluated 2025-12-05.

Allele frequency attached by ClinVar (database versions not stated): 1000 Genomes Project 0.00020; gnomAD exomes 0.00023; 1000 Genomes Project 30x 0.00031; ExAC 0.00032; gnomAD 0.00082 and 0.00095; TOPMed 0.00094; ESP Exome Variant Server 0.00154.

Submissions (2):

Labcorp Genetics (formerly Invitae), Labcorp
Classification: Benign. Last evaluated: 2025-12-05. Review status: criteria provided, single submitter. Criteria: Invitae Variant Classification Sherloc (09022015). Collection method: clinical testing. Allele origin: germline.

GeneDx
Classification: Likely benign. Last evaluated: 2017-12-01. Review status: criteria provided, single submitter. Criteria: GeneDx Variant Classification (06012015). Collection method: clinical testing. Allele origin: germline. Affected: yes.
Comment: This variant is considered likely benign or benign based on one or more of the following criteria: it is a conservative change, it occurs at a poorly conserved position in the protein, it is predicted to be benign by multiple in silico algorithms, and/or has population frequency not consistent with disease.

NM_004544.4(NDUFA10):c.749+16G>A

Gene: NDUFA10 (NADH:ubiquinone oxidoreductase subunit A10; minus strand). Cytogenetic location: 2q37.3.
Variant type: single nucleotide variant.
Coding change: c.749+16G>A on transcript NM_004544.4 (MANE Select); 16 bases into the intron after coding-DNA position 749, G replaced by A.
Molecular consequence: intron variant.
Genome position (GRCh38, 1-based): chr2:240,011,601, C>T on the plus strand (G>A on the coding strand, the complement: NDUFA10 is on the minus strand). VCF-style: chr2-240011601-C-T. GRCh37 (hg19) VCF-style: chr2-240951018-C-T.
Other names: c.749+16G>A (NM_001322020.2, NM_001322019.2).
Identifiers: ClinVar variation 516374 (VCV000516374.6), dbSNP rs375221991, ClinGen allele CA2200877.
Genomic context (GRCh38, chr2:240,011,601, plus strand): 5'-CCCTGGGCTGTTGGGGCCTAAGAAACGAGTGGCGAAGAAGTTTTAGCCCTGTAAATCAGT[C>T]GTGTGTTTGGCTCACCTCATCTCAGGGAGAAAGGTTTTCTTATAGGCATTCTCAATGTCC-3'